The following is an entry in ClinVar:

NM_001376.5(DYNC1H1):c.4722G>A (p.Glu1574=)

Gene: DYNC1H1 (dynein cytoplasmic 1 heavy chain 1; plus strand). Cytogenetic location: 14q32.31.
Variant type: single nucleotide variant.
Coding change: c.4722G>A on transcript NM_001376.5 (MANE Select); coding-DNA position 4722, G replaced by A.
Protein change: p.Glu1574=; no amino-acid change (glutamic acid 1574 retained).
Molecular consequence: synonymous variant.
Genome position (GRCh38, 1-based): chr14:102,002,804, G>A. VCF-style: chr14-102002804-G-A. GRCh37 (hg19) VCF-style: chr14-102469141-G-A.
Identifiers: ClinVar variation 1090989 (VCV001090989.13), dbSNP rs754521119, ClinGen allele CA7352300.

ClinVar aggregate classification (germline): Benign/Likely benign. Review status: criteria provided, multiple submitters, no conflicts (2 of 4 stars). 4 submissions from 4 submitters: Benign (2); Likely benign (2). Last evaluated 2026-08-03.

Conditions:
DYNC1H1-related disorder. Also called: DYNC1H1-related condition; DYNC1H1-related disorders. Identifiers: MedGen CN381529.
Inborn genetic diseases. Identifiers: MedGen C0950123, MeSH D030342.
Charcot-Marie-Tooth disease axonal type 2O. Also called: Charcot-Marie-Tooth disease, axonal, type 20; CHARCOT-MARIE-TOOTH NEUROPATHY, AXONAL, TYPE 2O; CHARCOT-MARIE-TOOTH DISEASE, AXONAL, AUTOSOMAL DOMINANT, TYPE 2O; Charcot-Marie-Tooth Neuropathy Type 2O. Identifiers: Orphanet 284232, MedGen C3280220, MONDO:0013644, OMIM 614228.

Allele frequency attached by ClinVar (database versions not stated): gnomAD 0.00003; TOPMed 0.00003; ExAC 0.00007; gnomAD exomes 0.00009.
gnomAD v4.1: 32 of 1,614,124 alleles (0.002%); highest among the groups gnomAD compares: Admixed American, 0.042%; no homozygotes.

Submissions (4):

PreventionGenetics, part of Exact Sciences
Classification: Likely benign for DYNC1H1-related condition. Last evaluated: 2026-08-03. Review status: criteria provided, single submitter. Criteria: ACMG Guidelines, 2015. Collection method: clinical testing. Allele origin: germline.
Comment: This variant is classified as likely benign based on ACMG/AMP sequence variant interpretation guidelines (Richards et al. 2015 PMID: 25741868, with internal and published modifications).

Labcorp Genetics (formerly Invitae), Labcorp
Classification: Likely benign for Charcot-Marie-Tooth disease axonal type 2O. Last evaluated: 2026-01-09. Review status: criteria provided, single submitter. Criteria: Invitae Variant Classification Sherloc (09022015). Collection method: clinical testing. Allele origin: germline.

Women's Health and Genetics/Laboratory Corporation of America, LabCorp
Classification: Benign. Last evaluated: 2025-12-26. Review status: criteria provided, single submitter. Criteria: LabCorp Variant Classification Summary - May 2015. Collection method: clinical testing. Allele origin: germline.

Ambry Genetics
Classification: Benign for Inborn genetic diseases. Last evaluated: 2019-11-01. Review status: criteria provided, single submitter. Criteria: Ambry Variant Classification Scheme 2023. Collection method: clinical testing. Allele origin: germline.